The following is an entry in ClinVar:

ClinVar aggregate classification (germline): Likely pathogenic (1 of 4 stars; one submission).

Conditions:
Gaucher disease. Also called: Acute cerebral Gaucher disease; Cerebroside lipidosis syndrome; Gaucher splenomegaly; Sphingolipidosis 1; Glucocerebrosidosis; Glucosylceramidase deficiency. Identifiers: Orphanet 355, MedGen C0017205, MONDO:0018150.

Submission:

Natera, Inc.
Classification: Likely pathogenic for Gaucher disease. Last evaluated: 2024-10-01. Review status: criteria provided, single submitter. Criteria: Natera Variant Classification Schema (03/2026). Collection method: clinical testing. Allele origin: germline.
Comment: The c.341delT variant in GBA1 is a frameshift variant predicted to shift the reading frame beginning at codon 114 and leads to a stop codon 4 codons downstream. This variant is expected to result in nonsense mediated decay, truncation, or a dysfunctional protein product. This variant is rare in the general population with a frequency below the threshold expected for the associated phenotype(s). Given the available evidence, this variant is classified as Likely Pathogenic.

NM_000157.4(GBA1):c.341del (p.Phe114fs)

Genes: GBA1 (glucosylceramidase beta 1; minus strand), LOC106627981 (GBA recombination region; plus strand). Cytogenetic location: 1q22.
Variant type: Deletion.
Coding change: c.341del on transcript NM_000157.4 (MANE Select); coding-DNA position 341, one base deleted (T; older notation c.341delT).
Protein change: p.Phe114fs; shifts the reading frame from phenylalanine 114.
Molecular consequence: frameshift variant. On other transcripts: intron variant (1).
Genome position (GRCh38, 1-based): chr1:155,239,729, A deleted on the plus strand (T on the coding strand, the reverse complement: GBA1 is on the minus strand); the first of 2 consecutive A bases (chr1:155,239,729-155,239,730); deleting either gives the same sequence. VCF-style (leftmost placement, unchanged base first): chr1-155239728-GA-G. GRCh37 (hg19) VCF-style: chr1-155209519-GA-G.
Other names: c.341del, p.Phe114fs (NM_001005741.3, NM_001005742.3); c.80del, p.Phe27fs (NM_001171811.2); c.307+157del (NM_001171812.2); short protein forms F114fs, F27fs.
Identifiers: ClinVar variation 4817752 (VCV004817752.1).
Genomic context (GRCh38, chr1:155,239,728, plus strand): 5'-GGCAAGGATGTTGAGAGCAGCAGCATCTGTCATGGCCCCTCCAAATCCCTTCACTTTCTG[GA>G]ACTTCTGTTCTGGCTGCAGGGTCAGTAGCAGGCCTGAGGACATCCACAGGGAATAAGGGT-3'